The following is an entry in ClinVar:

ClinVar aggregate classification (germline): Uncertain significance. Review status: criteria provided, multiple submitters, no conflicts (2 of 4 stars). 3 submissions from 3 submitters: Uncertain significance (3). Last evaluated 2024-11-04.

Conditions:
Duchenne muscular dystrophy (DMD). Also called: MUSCULAR DYSTROPHY, PSEUDOHYPERTROPHIC PROGRESSIVE, DUCHENNE TYPE; Duchenne Muscular Dystrophy (DMD). Identifiers: Orphanet 98896, MedGen C0013264, MONDO:0010679, OMIM 310200.
Cardiovascular phenotype. Identifiers: MedGen CN230736.

Allele frequency attached by ClinVar (database versions not stated): gnomAD exomes 0.00001.
gnomAD v4.1: 6 of 1,211,317 alleles (0.0005%); highest among the groups gnomAD compares: East Asian, 0.003%; no homozygotes.

Submissions (3):

Labcorp Genetics (formerly Invitae), Labcorp
Classification: Uncertain significance for Duchenne muscular dystrophy. Last evaluated: 2024-11-04. Review status: criteria provided, single submitter. Criteria: Invitae Variant Classification Sherloc (09022015). Collection method: clinical testing. Allele origin: germline.
Comment: This sequence change replaces asparagine, which is neutral and polar, with aspartic acid, which is acidic and polar, at codon 3167 of the DMD protein (p.Asn3167Asp). This variant is not present in population databases (gnomAD no frequency). This variant has not been reported in the literature in individuals affected with DMD-related conditions. ClinVar contains an entry for this variant (Variation ID: 497382). Invitae Evidence Modeling of protein sequence and biophysical properties (such as structural, functional, and spatial information, amino acid conservation, physicochemical variation, residue mobility, and thermodynamic stability) indicates that this missense variant is not expected to disrupt DMD protein function with a negative predictive value of 95%. In summary, the available evidence is currently insufficient to determine the role of this variant in disease. Therefore, it has been classified as a Variant of Uncertain Significance.

Ambry Genetics
Classification: Uncertain significance for Cardiovascular phenotype. Last evaluated: 2023-05-01. Review status: criteria provided, single submitter. Criteria: Ambry Variant Classification Scheme 2023. Collection method: clinical testing. Allele origin: germline.
Comment: The p.N3167D variant (also known as c.9499A>G), located in coding exon 65 of the DMD gene, results from an A to G substitution at nucleotide position 9499. The asparagine at codon 3167 is replaced by aspartic acid, an amino acid with highly similar properties. This amino acid position is not well conserved in available vertebrate species. In addition, this alteration is predicted to be tolerated by in silico analysis. Since supporting evidence is limited at this time, the clinical significance of this alteration remains unclear.

Eurofins Ntd Llc (ga)
Classification: Uncertain significance. Last evaluated: 2016-11-30. Review status: criteria provided, single submitter. Criteria: EGL Classification Definitions 2015. Collection method: clinical testing. Allele origin: germline. Observed: 1 variant allele, 1 heterozygote.

NM_004006.3(DMD):c.9499A>G (p.Asn3167Asp)

Gene: DMD (dystrophin; minus strand). Cytogenetic location: Xp21.2.
Variant type: single nucleotide variant.
Coding change: c.9499A>G on transcript NM_004006.3 (MANE Select); coding-DNA position 9499, A replaced by G.
Protein change: p.Asn3167Asp; replaces asparagine 3167 with aspartic acid.
Molecular consequence: missense variant.
Genome position (GRCh38, 1-based): chrX:31,209,562, T>C on the plus strand (A>G on the coding strand, the complement: DMD is on the minus strand). VCF-style: chrX-31209562-T-C. GRCh37 (hg19) VCF-style: chrX-31227679-T-C.
Other names: c.9475A>G, p.Asn3159Asp (NM_000109.4); c.9487A>G, p.Asn3163Asp (NM_004009.3); c.9130A>G, p.Asn3044Asp (NM_004010.3); c.5476A>G, p.Asn1826Asp (NM_004011.4); c.5467A>G, p.Asn1823Asp (NM_004012.4); c.2119A>G, p.Asn707Asp (NM_004013.3, NM_004020.4, NM_004021.3 and 2 more transcripts); c.1312A>G, p.Asn438Asp (NM_004014.3); c.295A>G, p.Asn99Asp (NM_004015.3, NM_004016.3, NM_004017.3 and 2 more transcripts); and 1 more; short protein forms N3167D, N438D, N707D, N1826D, N99D, N1823D, N3044D, N3159D.
Identifiers: ClinVar variation 497382 (VCV000497382.13), dbSNP rs781509861, ClinGen allele CA412649863.